The following is an entry in ClinVar:

ClinVar aggregate classification (germline): Likely pathogenic (1 of 4 stars; one submission).

Conditions:
Combined oxidative phosphorylation deficiency 44. Also called: FASTKD2-Related Combined Oxidative Phosphorylation Deficiency. Identifiers: MedGen C5394293, MONDO:0030020, OMIM 618855.

Submission:

3billion
Classification: Likely pathogenic for Combined oxidative phosphorylation deficiency 44. Last evaluated: 2025-05-16. Review status: criteria provided, single submitter. Criteria: ACMG Guidelines, 2015. Collection method: clinical testing. Allele origin: germline. Affected: yes.
Comment: The variant is observed at an extremely low frequency in the gnomAD v4.1.0 dataset (total allele frequency: <0.001%). Predicted Consequence/Location: Frameshift: predicted to result in a loss or disruption of normal protein function through nonsense-mediated decay (NMD) or protein truncation. Multiple pathogenic variants are reported downstream of the variant. Therefore, this variant is classified as Likely pathogenic according to the recommendation of ACMG/AMP guideline.

NM_001136193.2(FASTKD2):c.1424_1425del (p.Lys475fs)

Gene: FASTKD2 (FAST kinase domains 2; plus strand). Cytogenetic location: 2q33.3.
Variant type: Deletion.
Coding change: c.1424_1425del on transcript NM_001136193.2 (MANE Select); coding-DNA positions 1424 to 1425, 2 bases deleted (AA; older notation c.1424_1425delAA).
Protein change: p.Lys475fs; shifts the reading frame from lysine 475.
Molecular consequence: frameshift variant.
Genome position (GRCh38, 1-based): chr2:206,774,394-206,774,395, AA deleted; deleting any 2 consecutive bases within chr2:206,774,393-206,774,395 gives the same sequence; the c. name uses the placement nearest the transcript's 3' end. VCF-style (leftmost placement, unchanged base first): chr2-206774392-CAA-C. GRCh37 (hg19) VCF-style: chr2-207639116-CAA-C.
Other names: c.1424_1425del, p.Lys475fs (NM_001136194.2, NM_014929.4); short protein forms K475fs.
Identifiers: ClinVar variation 4854405 (VCV004854405.1).